The following is an entry in ClinVar:

ClinVar aggregate classification (germline): Likely pathogenic (1 of 4 stars; one submission).

Submission:

GeneDx
Classification: Likely pathogenic. Last evaluated: 2019-08-07. Review status: criteria provided, single submitter. Criteria: GeneDx Variant Classification Process June 2021. Collection method: clinical testing. Allele origin: germline. Affected: yes.
Comment: Not observed in large population cohorts (Lek et al., 2016); In silico analysis, which includes protein predictors and evolutionary conservation, supports a deleterious effect; Has not been previously published as pathogenic or benign to our knowledge

NM_004999.4(MYO6):c.1178G>T (p.Arg393Ile)

Gene: MYO6 (myosin VI; plus strand). Cytogenetic location: 6q14.1.
Variant type: single nucleotide variant.
Coding change: c.1178G>T on transcript NM_004999.4 (MANE Select); coding-DNA position 1178, G replaced by T.
Protein change: p.Arg393Ile; replaces arginine 393 with isoleucine.
Molecular consequence: missense variant. On other transcripts: non-coding transcript variant (1).
Genome position (GRCh38, 1-based): chr6:75,855,238, G>T. VCF-style: chr6-75855238-G-T. GRCh37 (hg19) VCF-style: chr6-76564955-G-T.
Other names: c.1163G>T, p.Arg388Ile (NM_001368138.1); c.1178G>T, p.Arg393Ile (NM_001368865.1, NM_001368866.1, NM_001300899.2 and 2 more transcripts); short protein forms R388I, R393I.
Identifiers: ClinVar variation 1223163 (VCV001223163.3), dbSNP rs1775638556, ClinGen allele CA364757435.